The following is an entry in ClinVar:

ClinVar aggregate classification (germline): Uncertain significance (1 of 4 stars; one submission).

Conditions:
Pyruvate dehydrogenase E2 deficiency (PDHDD). Also called: Dihydrolipoamide Acetyltransferase (E2) Deficiency; LACTIC ACIDEMIA DUE TO DEFECT OF E2 LIPOYL TRANSACETYLASE OF THE PYRUVATE DEHYDROGENASE COMPLEX. Identifiers: Orphanet 765, Orphanet 79244, MedGen C1855565, MONDO:0009502, OMIM 245348.

Allele frequency attached by ClinVar (database versions not stated): TOPMed below 0.00001.

Submission:

Labcorp Genetics (formerly Invitae), Labcorp
Classification: Uncertain significance for Pyruvate dehydrogenase E2 deficiency. Last evaluated: 2025-10-27. Review status: criteria provided, single submitter. Criteria: Invitae Variant Classification Sherloc (09022015). Collection method: clinical testing. Allele origin: germline.
Comment: This sequence change replaces alanine, which is neutral and non-polar, with threonine, which is neutral and polar, at codon 198 of the DLAT protein (p.Ala198Thr). This variant is present in population databases (no rsID available, gnomAD 0.006%). This variant has not been reported in the literature in individuals affected with DLAT-related conditions. ClinVar contains an entry for this variant (Variation ID: 2902631). Invitae Evidence Modeling of protein sequence and biophysical properties (such as structural, functional, and spatial information, amino acid conservation, physicochemical variation, residue mobility, and thermodynamic stability) indicates that this missense variant is not expected to disrupt DLAT protein function with a negative predictive value of 80%. In summary, the available evidence is currently insufficient to determine the role of this variant in disease. Therefore, it has been classified as a Variant of Uncertain Significance.

NM_001931.5(DLAT):c.592G>A (p.Ala198Thr)

Gene: DLAT (dihydrolipoamide S-acetyltransferase; plus strand). Cytogenetic location: 11q23.1.
Variant type: single nucleotide variant.
Coding change: c.592G>A on transcript NM_001931.5 (MANE Select); coding-DNA position 592, G replaced by A.
Protein change: p.Ala198Thr; replaces alanine 198 with threonine.
Molecular consequence: missense variant. On other transcripts: intron variant (2), non-coding transcript variant (1).
Genome position (GRCh38, 1-based): chr11:112,028,877, G>A. VCF-style: chr11-112028877-G-A. GRCh37 (hg19) VCF-style: chr11-111899601-G-A.
Other names: c.592G>A, p.Ala198Thr (NM_001372031.1, NM_001372032.1, NM_001372033.1 and 3 more transcripts); c.381+2578G>A (NM_001372038.1); c.364+2595G>A (NM_001372040.1); c.559G>A, p.Ala187Thr (NM_001372034.1); c.466G>A, p.Ala156Thr (NM_001372036.1); c.424G>A, p.Ala142Thr (NM_001372037.1); c.130G>A, p.Ala44Thr (NM_001372042.1); short protein forms A198T, A142T, A187T, A44T, A156T.
Identifiers: ClinVar variation 2902631 (VCV002902631.3), dbSNP rs1555179701, ClinGen allele CA382601688.